The following is an entry in ClinVar:

ClinVar aggregate classification (germline): Uncertain significance (1 of 4 stars; one submission).

Conditions:
RYR1-related disorder. Also called: RYR1-related condition; RYR1-related disorders. Identifiers: MedGen CN239331.

Submission:

Labcorp Genetics (formerly Invitae), Labcorp
Classification: Uncertain significance for RYR1-related disorder. Last evaluated: 2024-06-16. Review status: criteria provided, single submitter. Criteria: Invitae Variant Classification Sherloc (09022015). Collection method: clinical testing. Allele origin: germline.
Comment: This sequence change replaces asparagine, which is neutral and polar, with tyrosine, which is neutral and polar, at codon 635 of the RYR1 protein (p.Asn635Tyr). This variant is not present in population databases (gnomAD no frequency). This variant has not been reported in the literature in individuals affected with RYR1-related conditions. ClinVar contains an entry for this variant (Variation ID: 1053031). Advanced modeling of protein sequence and biophysical properties (such as structural, functional, and spatial information, amino acid conservation, physicochemical variation, residue mobility, and thermodynamic stability) has been performed at Invitae for this missense variant, however the output from this modeling did not meet the statistical confidence thresholds required to predict the impact of this variant on RYR1 protein function. In summary, the available evidence is currently insufficient to determine the role of this variant in disease. Therefore, it has been classified as a Variant of Uncertain Significance.

NM_000540.3(RYR1):c.1903A>T (p.Asn635Tyr)

Gene: RYR1 (ryanodine receptor 1; plus strand). Cytogenetic location: 19q13.2.
Variant type: single nucleotide variant.
Coding change: c.1903A>T on transcript NM_000540.3 (MANE Select); coding-DNA position 1903, A replaced by T.
Protein change: p.Asn635Tyr; replaces asparagine 635 with tyrosine.
Molecular consequence: missense variant.
Genome position (GRCh38, 1-based): chr19:38,457,608, A>T. VCF-style: chr19-38457608-A-T. GRCh37 (hg19) VCF-style: chr19-38948248-A-T.
Other names: c.1903A>T, p.Asn635Tyr (NM_001042723.2); short protein forms N635Y.
Identifiers: ClinVar variation 1053031 (VCV001053031.7), dbSNP rs748746838, ClinGen allele CA405694278.